The following is an entry in ClinVar:

NM_000350.3(ABCA4):c.2828G>T (p.Arg943Leu)

Gene: ABCA4 (ATP binding cassette subfamily A member 4; minus strand). Cytogenetic location: 1p22.1.
Variant type: single nucleotide variant.
Coding change: c.2828G>T on transcript NM_000350.3 (MANE Select); coding-DNA position 2828, G replaced by T.
Protein change: p.Arg943Leu; replaces arginine 943 with leucine.
Molecular consequence: missense variant.
Genome position (GRCh38, 1-based): chr1:94,047,009, C>A on the plus strand (G>T on the coding strand, the complement: ABCA4 is on the minus strand). VCF-style: chr1-94047009-C-A. GRCh37 (hg19) VCF-style: chr1-94512565-C-A.
Other names: c.2606G>T, p.Arg869Leu (NM_001425324.1); short protein forms R943L, R869L.
Identifiers: ClinVar variation 1023776 (VCV001023776.9), dbSNP rs1801581, ClinGen allele CA958143.

ClinVar aggregate classification (germline): Uncertain significance. Review status: criteria provided, multiple submitters, no conflicts (2 of 4 stars). 2 submissions from 2 submitters: Uncertain significance (2). Last evaluated 2022-07-19.

Conditions:
Retinitis pigmentosa 19 (RP19). Also called: ABCA4-Related Retinitis Pigmentosa. Identifiers: Orphanet 791, MedGen C1866422, MONDO:0011137, OMIM 601718.
Cone-rod dystrophy 3 (CORD3). Identifiers: Orphanet 1872, MedGen C1858806, MONDO:0011395, OMIM 604116.
Age related macular degeneration 2. Also called: MACULOPATHY, AGE-RELATED; MACULAR DEGENERATION, SENILE; MACULOPATHY, AGE-RELATED, 2. Identifiers: MedGen C3495438, MONDO:0007932, OMIM 153800.
Severe early-childhood-onset retinal dystrophy (STGD1). Also called: STGD; Stargardt macular dystrophy; Juvenile onset macular degeneration; Stargardt disease 1; MACULAR DYSTROPHY WITH FLECKS, TYPE 1. Identifiers: Orphanet 364055, Orphanet 827, MedGen C1855465, MeSH D000080362, MONDO:0009549, OMIM 248200.

Allele frequency attached by ClinVar (database versions not stated): TOPMed 0.00003.
gnomAD v4.1: 27 of 1,613,956 alleles (0.0017%); highest among the groups gnomAD compares: Admixed American, 0.0017%; no homozygotes.

Submissions (2):

Labcorp Genetics (formerly Invitae), Labcorp
Classification: Uncertain significance. Last evaluated: 2022-07-19. Review status: criteria provided, single submitter. Criteria: Invitae Variant Classification Sherloc (09022015). Collection method: clinical testing. Allele origin: germline.
Comment: This sequence change replaces arginine, which is basic and polar, with leucine, which is neutral and non-polar, at codon 943 of the ABCA4 protein (p.Arg943Leu). This variant is present in population databases (rs1801581, gnomAD 0.05%). This variant has not been reported in the literature in individuals affected with ABCA4-related conditions. ClinVar contains an entry for this variant (Variation ID: 1023776). Advanced modeling of protein sequence and biophysical properties (such as structural, functional, and spatial information, amino acid conservation, physicochemical variation, residue mobility, and thermodynamic stability) performed at Invitae indicates that this missense variant is not expected to disrupt ABCA4 protein function. In summary, the available evidence is currently insufficient to determine the role of this variant in disease. Therefore, it has been classified as a Variant of Uncertain Significance.

Fulgent Genetics
Classification: Uncertain significance for Age related macular degeneration 2; Severe early-childhood-onset retinal dystrophy; Retinitis pigmentosa 19; Cone-rod dystrophy 3. Last evaluated: 2021-11-29. Review status: criteria provided, single submitter. Criteria: ACMG Guidelines, 2015. Collection method: clinical testing. Allele origin: unknown.